The following is an entry in ClinVar:

NM_018006.5(TRMU):c.*51C>T

Gene: TRMU (tRNA mitochondrial 2-thiouridylase; plus strand). Cytogenetic location: 22q13.31.
Variant type: single nucleotide variant.
Coding change: c.*51C>T on transcript NM_018006.5 (MANE Select); 51 bases downstream of the stop codon, C replaced by T.
Molecular consequence: 3 prime UTR variant. On other transcripts: non-coding transcript variant (2).
Genome position (GRCh38, 1-based): chr22:46,357,057, C>T. VCF-style: chr22-46357057-C-T. GRCh37 (hg19) VCF-style: chr22-46752954-C-T.
Other names: c.*51C>T (NM_001282782.2, NM_001282783.2); c.*103C>T (NM_001282784.2, NM_001282785.2).
Identifiers: ClinVar variation 342021 (VCV000342021.5), dbSNP rs111830256, ClinGen allele CA10292499.

ClinVar aggregate classification (germline): Likely benign (1 of 4 stars; one submission).

Conditions:
Acute infantile liver failure due to synthesis defect of mtDNA-encoded proteins. Also called: Liver failure acute infantile; TRMU Deficiency; LIVER FAILURE, INFANTILE, TRANSIENT. Identifiers: Orphanet 217371, MedGen C3278664, MONDO:0013111, OMIM 613070.

Allele frequency attached by ClinVar (database versions not stated): ESP Exome Variant Server 0.00077; TOPMed 0.00088; gnomAD exomes 0.00022 and 0.00046; ExAC 0.00051; 1000 Genomes Project 30x 0.00172; gnomAD 0.00090 and 0.00087; 1000 Genomes Project 0.00220.
gnomAD v4.1: 510 of 1,609,740 alleles (0.032%); highest among the groups gnomAD compares: African/African-American, 0.33%; 2 homozygotes.

Submission:

Illumina Laboratory Services, Illumina
Classification: Likely benign for Acute infantile liver failure due to synthesis defect of mtDNA-encoded proteins. Last evaluated: 2018-01-13. Review status: criteria provided, single submitter. Criteria: ICSL Variant Classification Criteria 13 December 2019. Collection method: clinical testing. Allele origin: germline.
Comment: This variant was observed in the ICSL laboratory as part of a predisposition screen in an ostensibly healthy population. It had not been previously curated by ICSL or reported in the Human Gene Mutation Database (HGMD: prior to June 1st, 2018), and was therefore a candidate for classification through an automated scoring system. Utilizing variant allele frequency, disease prevalence and penetrance estimates, and inheritance mode, an automated score was calculated to assess if this variant is too frequent to cause the disease. Based on the score and internal cut-off values, a variant classified as likely benign is not then subjected to further curation. The score for this variant resulted in a classification of likely benign for this disease.